The following is an entry in ClinVar:

NM_001379500.1(COL18A1):c.2927_2978del (p.Pro976fs)

Genes: COL18A1 (collagen type XVIII alpha 1 chain; plus strand), SLC19A1 (solute carrier family 19 member 1; minus strand). Cytogenetic location: 21q22.3.
Variant type: Deletion.
Coding change: c.2927_2978del on transcript NM_001379500.1 (MANE Select); coding-DNA positions 2927 to 2978, 52 bases deleted.
Protein change: p.Pro976fs; shifts the reading frame from proline 976.
Molecular consequence: frameshift variant.
Genome position (GRCh38, 1-based): chr21:45,505,192-45,505,243, 52 bases deleted. GRCh37 (hg19): chr21:46,925,106-46,925,157.
Other names: c.3458_3509del, p.Pro1153fs (NM_030582.4); c.4163_4214del, p.Pro1388fs (NM_130444.3); short protein forms P1153fs, P1388fs, P976fs.
Identifiers: ClinVar variation 1416390 (VCV001416390.6), dbSNP rs2037118140, ClinGen allele CA2392191226.

ClinVar aggregate classification (germline): Pathogenic (1 of 4 stars; one submission).

Submission:

Labcorp Genetics (formerly Invitae), Labcorp
Classification: Pathogenic. Last evaluated: 2024-01-08. Review status: criteria provided, single submitter. Criteria: Invitae Variant Classification Sherloc (09022015). Collection method: clinical testing. Allele origin: germline.
Comment: This sequence change creates a premature translational stop signal (p.Pro973Glnfs*38) in the COL18A1 gene. It is expected to result in an absent or disrupted protein product. Loss-of-function variants in COL18A1 are known to be pathogenic (PMID: 12415512, 25456301). This variant is not present in population databases (gnomAD no frequency). This variant has not been reported in the literature in individuals affected with COL18A1-related conditions. ClinVar contains an entry for this variant (Variation ID: 1416390). For these reasons, this variant has been classified as Pathogenic.

Literature cited by the submitters: PubMed 12415512; PubMed 25456301.